The following is an entry in ClinVar:

NM_000038.6(APC):c.1295A>G (p.Asp432Gly)

Gene: APC (APC regulator of Wnt signaling pathway; plus strand). Cytogenetic location: 5q22.2.
Variant type: single nucleotide variant.
Coding change: c.1295A>G on transcript NM_000038.6 (MANE Select); coding-DNA position 1295, A replaced by G.
Protein change: p.Asp432Gly; replaces aspartic acid 432 with glycine.
Molecular consequence: missense variant.
Genome position (GRCh38, 1-based): chr5:112,819,327, A>G. VCF-style: chr5-112819327-A-G. GRCh37 (hg19) VCF-style: chr5-112155024-A-G.
Other names: c.1295A>G, p.Asp432Gly (NM_001127510.3, NM_001354895.2, NM_001354896.2); c.1241A>G, p.Asp414Gly (NM_001127511.3); c.1325A>G, p.Asp442Gly (NM_001354897.2); c.1220A>G, p.Asp407Gly (NM_001354898.2); c.1211A>G, p.Asp404Gly (NM_001354899.2); c.1118A>G, p.Asp373Gly (NM_001354900.2, NM_001354901.2); c.1022A>G, p.Asp341Gly (NM_001354902.2); c.992A>G, p.Asp331Gly (NM_001354903.2); and 3 more; short protein forms D414G, D432G, D272G, D149G, D331G, D373G, D442G, D306G.
Identifiers: ClinVar variation 185572 (VCV000185572.24), dbSNP rs786202283, ClinGen allele CA004143.

ClinVar aggregate classification (germline): Uncertain significance. Review status: criteria provided, multiple submitters, no conflicts (2 of 4 stars). 5 submissions from 5 submitters: Uncertain significance (5). Last evaluated 2025-11-05.

Conditions:
APC-related disorder. Also called: APC-related condition.
Classic or attenuated familial adenomatous polyposis. Identifiers: MedGen CN372698, MONDO:0021057.
Hereditary cancer-predisposing syndrome. Also called: Hereditary neoplastic syndrome; Neoplastic Syndromes, Hereditary; Tumor predisposition; Hereditary Cancer Syndrome. Identifiers: Orphanet 140162, MedGen C0027672, MeSH D009386, MONDO:0015356.
Familial adenomatous polyposis 1 (FAP1). Also called: FAMILIAL ADENOMATOUS POLYPOSIS 1, ATTENUATED; POLYPOSIS, ADENOMATOUS INTESTINAL. Identifiers: MedGen C2713442, MONDO:0021056, OMIM 175100. Disease mechanism: loss of function.

Submissions (5):

Labcorp Genetics (formerly Invitae), Labcorp
Classification: Uncertain significance for Familial adenomatous polyposis 1. Last evaluated: 2025-11-05. Review status: criteria provided, single submitter. Criteria: Invitae Variant Classification Sherloc (09022015). Collection method: clinical testing. Allele origin: germline.
Comment: This sequence change replaces aspartic acid, which is acidic and polar, with glycine, which is neutral and non-polar, at codon 432 of the APC protein (p.Asp432Gly). This variant is not present in population databases (gnomAD no frequency). This variant has not been reported in the literature in individuals affected with APC-related conditions. ClinVar contains an entry for this variant (Variation ID: 185572). Invitae Evidence Modeling of protein sequence and biophysical properties (such as structural, functional, and spatial information, amino acid conservation, physicochemical variation, residue mobility, and thermodynamic stability) indicates that this missense variant is not expected to disrupt APC protein function with a negative predictive value of 95%. In summary, the available evidence is currently insufficient to determine the role of this variant in disease. Therefore, it has been classified as a Variant of Uncertain Significance.

Ambry Genetics
Classification: Uncertain significance for Hereditary cancer-predisposing syndrome. Last evaluated: 2025-05-30. Review status: criteria provided, single submitter. Criteria: Ambry Variant Classification Scheme 2023. Collection method: clinical testing. Allele origin: germline.
Comment: The p.D432G variant (also known as c.1295A>G), located in coding exon 9 of the APC gene, results from an A to G substitution at nucleotide position 1295. The aspartic acid at codon 432 is replaced by glycine, an amino acid with similar properties. This amino acid position is highly conserved in available vertebrate species. In addition, in silico predictors for this gene do not accurately predict pathogenicity. Based on the available evidence, the clinical significance of this variant remains unclear.

All of Us Research Program, National Institutes of Health
Classification: Uncertain significance for Classic or attenuated familial adenomatous polyposis. Last evaluated: 2024-03-24. Review status: criteria provided, single submitter. Criteria: ACMG Guidelines, 2015. Collection method: clinical testing. Allele origin: germline. Inheritance: Autosomal dominant inheritance. Observed: 3 variant alleles, 3 heterozygotes.
Comment: This missense variant replaces aspartic acid with glycine at codon 432 of the APC protein. Computational prediction suggests that this variant may not impact protein structure and function (internally defined REVEL score threshold <= 0.5, PMID: 27666373). To our knowledge, functional studies have not been reported for this variant. This variant has not been reported in individuals affected with APC-related disorders in the literature. This variant has not been identified in the general population by the Genome Aggregation Database (gnomAD). The available evidence is insufficient to determine the role of this variant in disease conclusively. Therefore, this variant is classified as a Variant of Uncertain Significance.

This study involves interpretation of variants in research participants for the purpose of population health screening. Participant phenotype was not available at the time of variant classification. Additional details can be found in publication PMID: 35346344, PMCID: PMC8962531

Color Diagnostics, LLC DBA Color Health
Classification: Uncertain significance for Hereditary cancer-predisposing syndrome. Last evaluated: 2024-03-06. Review status: criteria provided, single submitter. Criteria: ACMG Guidelines, 2015. Collection method: clinical testing. Allele origin: germline.
Comment: This missense variant replaces aspartic acid with glycine at codon 432 of the APC protein. Computational prediction suggests that this variant may not impact protein structure and function (internally defined REVEL score threshold <= 0.5, PMID: 27666373). To our knowledge, functional studies have not been reported for this variant. This variant has not been reported in individuals affected with APC-related disorders in the literature. This variant has not been identified in the general population by the Genome Aggregation Database (gnomAD). The available evidence is insufficient to determine the role of this variant in disease conclusively. Therefore, this variant is classified as a Variant of Uncertain Significance.

PreventionGenetics, part of Exact Sciences
Classification: Uncertain significance for APC-related condition. Last evaluated: 2023-09-27. Review status: criteria provided, single submitter. Criteria: ACMG Guidelines, 2015. Collection method: clinical testing. Allele origin: germline.
Comment: The APC c.1295A>G variant is predicted to result in the amino acid substitution p.Asp432Gly. To our knowledge, this variant has not been reported in the literature or in a large population database, indicating this variant is rare. It is interpreted as uncertain significance in ClinVar. At this time, the clinical significance of this variant is uncertain due to the absence of conclusive functional and genetic evidence.